The following is an entry in ClinVar:

ClinVar aggregate classification (germline): Uncertain significance (1 of 4 stars; one submission).

Conditions:
Menkes kinky-hair syndrome (MNK). Also called: Copper transport disease; Menkes Disease; Classic Menkes Disease. Identifiers: Orphanet 565, MedGen C0022716, MONDO:0010651, OMIM 309400.
X-linked distal spinal muscular atrophy type 3. Also called: ATP7A-Related Distal Motor Neuropathy; SPINAL MUSCULAR ATROPHY, DISTAL, X-LINKED RECESSIVE; NEURONOPATHY, DISTAL HEREDITARY MOTOR, X-LINKED; NEUROPATHY, DISTAL HEREDITARY MOTOR, X-LINKED. Identifiers: Orphanet 139557, MedGen C1845359, MONDO:0010338, OMIM 300489.
Cutis laxa, X-linked (OHS). Also called: EDS IX; Occipital horn syndrome. Identifiers: Orphanet 198, MedGen C0268353, MONDO:0010572, OMIM 304150.

Submission:

Labcorp Genetics (formerly Invitae), Labcorp
Classification: Uncertain significance for X-linked distal spinal muscular atrophy type 3; Cutis laxa, X-linked; Menkes kinky-hair syndrome. Last evaluated: 2024-06-26. Review status: criteria provided, single submitter. Criteria: Invitae Variant Classification Sherloc (09022015). Collection method: clinical testing. Allele origin: germline.
Comment: This sequence change replaces threonine, which is neutral and polar, with asparagine, which is neutral and polar, at codon 1053 of the ATP7A protein (p.Thr1053Asn). This variant is not present in population databases (gnomAD no frequency). This variant has not been reported in the literature in individuals affected with ATP7A-related conditions. Advanced modeling of protein sequence and biophysical properties (such as structural, functional, and spatial information, amino acid conservation, physicochemical variation, residue mobility, and thermodynamic stability) performed at Invitae indicates that this missense variant is not expected to disrupt ATP7A protein function with a negative predictive value of 95%. In summary, the available evidence is currently insufficient to determine the role of this variant in disease. Therefore, it has been classified as a Variant of Uncertain Significance.

NM_000052.7(ATP7A):c.3158C>A (p.Thr1053Asn)

Gene: ATP7A (ATPase copper transporting alpha; plus strand). Cytogenetic location: Xq21.1.
Variant type: single nucleotide variant.
Coding change: c.3158C>A on transcript NM_000052.7 (MANE Select); coding-DNA position 3158, C replaced by A.
Protein change: p.Thr1053Asn; replaces threonine 1053 with asparagine.
Molecular consequence: missense variant. On other transcripts: non-coding transcript variant (1).
Genome position (GRCh38, 1-based): chrX:78,031,446, C>A. VCF-style: chrX-78031446-C-A. GRCh37 (hg19) VCF-style: chrX-77286944-C-A.
Other names: c.2924C>A, p.Thr975Asn (NM_001282224.2); short protein forms T1053N, T975N.
Identifiers: ClinVar variation 3748814 (VCV003748814.2).